The following is an entry in ClinVar:

NM_001399.5(EDA):c.576_592del (p.Pro193fs)

Gene: EDA (ectodysplasin A; plus strand). Cytogenetic location: Xq13.1.
Variant type: Deletion.
Coding change: c.576_592del on transcript NM_001399.5 (MANE Select); coding-DNA positions 576 to 592, 17 bases deleted (ACCTCCAGGACCCCAGG).
Protein change: p.Pro193fs; shifts the reading frame from proline 193.
Molecular consequence: frameshift variant.
Genome position (GRCh38, 1-based): chrX:70,027,906-70,027,922, ACCTCCAGGACCCCAGG deleted; deleting any 17 consecutive bases within chrX:70,027,899-70,027,922 gives the same sequence; the c. name uses the placement nearest the transcript's 3' end. VCF-style (leftmost placement, unchanged base first): chrX-70027898-CCCCCAGGACCTCCAGGA-C. GRCh37 (hg19) VCF-style: chrX-69247748-CCCCCAGGACCTCCAGGA-C.
Other names: c.576_592del, p.Pro193fs (NM_001005609.2, NM_001005612.3); short protein forms P193fs.
Identifiers: ClinVar variation 1072490 (VCV001072490.7), dbSNP rs2147509622, ClinGen allele CA2499226811.

ClinVar aggregate classification (germline): Pathogenic (1 of 4 stars; one submission).

Conditions:
Hypohidrotic X-linked ectodermal dysplasia (XHED). Also called: ECTODERMAL DYSPLASIA 1; ECTODERMAL DYSPLASIA 1, HYPOHIDROTIC, X-LINKED; ECTODERMAL DYSPLASIA 1, HYPOHIDROTIC/HAIR/TOOTH TYPE, X-LINKED; Christ-Siemans-Touraine syndrome; Anhidrotic ectodermal dysplasia X-linked; Christ Siemens Touraine syndrome. Identifiers: Orphanet 181, Orphanet 238468, MedGen C0162359, MONDO:0010585, OMIM 305100.

Submission:

Labcorp Genetics (formerly Invitae), Labcorp
Classification: Pathogenic for Hypohidrotic X-linked ectodermal dysplasia. Last evaluated: 2020-07-21. Review status: criteria provided, single submitter. Criteria: Invitae Variant Classification Sherloc (09022015). Collection method: clinical testing. Allele origin: germline.
Comment: For these reasons, this variant has been classified as Pathogenic. Loss-of-function variants in EDA are known to be pathogenic (PMID: 9683615). This variant has not been reported in the literature in individuals with EDA-related conditions. This variant is not present in population databases (ExAC no frequency). This sequence change creates a premature translational stop signal (p.Pro193Thrfs*41) in the EDA gene. It is expected to result in an absent or disrupted protein product.

Literature cited by the submitters: PubMed 9683615.